The following is an entry in ClinVar:

NM_001349206.2(LPIN1):c.2573A>G (p.Asn858Ser)

Gene: LPIN1 (lipin 1; plus strand). Cytogenetic location: 2p25.1.
Variant type: single nucleotide variant.
Coding change: c.2573A>G on transcript NM_001349206.2 (MANE Select); coding-DNA position 2573, A replaced by G.
Protein change: p.Asn858Ser; replaces asparagine 858 with serine.
Molecular consequence: missense variant. On other transcripts: non-coding transcript variant (1).
Genome position (GRCh38, 1-based): chr2:11,820,466, A>G. VCF-style: chr2-11820466-A-G. GRCh37 (hg19) VCF-style: chr2-11960592-A-G.
Other names: c.2483A>G, p.Asn828Ser (NM_001261427.3); c.2720A>G, p.Asn907Ser (NM_001261428.3); c.2465A>G, p.Asn822Ser (NM_001349199.2, NM_145693.4); c.2543A>G, p.Asn848Ser (NM_001349200.2, NM_001349201.2); c.2570A>G, p.Asn857Ser (NM_001349202.2, NM_001349203.2); c.2573A>G, p.Asn858Ser (NM_001349204.2, NM_001349205.2); c.2663A>G, p.Asn888Ser (NM_001349207.2); c.2612A>G, p.Asn871Ser (NM_001349208.2); short protein forms N822S, N848S, N828S, N907S, N871S, N857S, N858S, N888S.
Identifiers: ClinVar variation 1998680 (VCV001998680.4), dbSNP rs2546267910, ClinGen allele CA345860358.

ClinVar aggregate classification (germline): Uncertain significance (1 of 4 stars; one submission).

Allele frequency attached by ClinVar (database versions not stated): gnomAD exomes below 0.00001.
gnomAD v4.1: 2 of 1,613,864 alleles (0.00012%); highest among the groups gnomAD compares: Non-Finnish European, 0.00017%; no homozygotes.

Submission:

Labcorp Genetics (formerly Invitae), Labcorp
Classification: Uncertain significance. Last evaluated: 2022-06-08. Review status: criteria provided, single submitter. Criteria: Invitae Variant Classification Sherloc (09022015). Collection method: clinical testing. Allele origin: germline.
Comment: In summary, the available evidence is currently insufficient to determine the role of this variant in disease. Therefore, it has been classified as a Variant of Uncertain Significance. Algorithms developed to predict the effect of missense changes on protein structure and function are either unavailable or do not agree on the potential impact of this missense change (SIFT: "Deleterious"; PolyPhen-2: "Probably Damaging"; Align-GVGD: "Class C15"). This variant has not been reported in the literature in individuals affected with LPIN1-related conditions. This variant is not present in population databases (gnomAD no frequency). This sequence change replaces asparagine, which is neutral and polar, with serine, which is neutral and polar, at codon 822 of the LPIN1 protein (p.Asn822Ser).